The following is an entry in ClinVar:

ClinVar aggregate classification (germline): Uncertain significance. Review status: criteria provided, multiple submitters, no conflicts (2 of 4 stars). 2 submissions from 2 submitters: Uncertain significance (2). Last evaluated 2025-11-25.

Conditions:
Catecholaminergic polymorphic ventricular tachycardia 1. Also called: VENTRICULAR TACHYCARDIA, STRESS-INDUCED POLYMORPHIC 1; RYR2-Related Catecholaminergic Polymorphic Ventricular Tachycardia; VENTRICULAR TACHYCARDIA, CATECHOLAMINERGIC POLYMORPHIC, 1, WITH OR WITHOUT ATRIAL DYSFUNCTION AND/OR DILATED CARDIOMYOPATHY. Identifiers: Orphanet 3286, MedGen C1631597, MONDO:0011484, OMIM 604772.
Catecholaminergic polymorphic ventricular tachycardia (CVPT). Also called: Catecholamine-induced polymorphic ventricular tachycardia. Identifiers: Orphanet 3286, MedGen C5574922, MONDO:0017990.

Allele frequency attached by ClinVar (database versions not stated): TOPMed 0.00001.

Submissions (2):

Labcorp Genetics (formerly Invitae), Labcorp
Classification: Uncertain significance for Catecholaminergic polymorphic ventricular tachycardia 1. Last evaluated: 2025-11-25. Review status: criteria provided, single submitter. Criteria: Invitae Variant Classification Sherloc (09022015). Collection method: clinical testing. Allele origin: germline.
Comment: This sequence change replaces serine, which is neutral and polar, with isoleucine, which is neutral and non-polar, at codon 1398 of the RYR2 protein (p.Ser1398Ile). This variant is not present in population databases (gnomAD no frequency). This variant has not been reported in the literature in individuals affected with RYR2-related conditions. ClinVar contains an entry for this variant (Variation ID: 2170565). Invitae Evidence Modeling of protein sequence and biophysical properties (such as structural, functional, and spatial information, amino acid conservation, physicochemical variation, residue mobility, and thermodynamic stability) indicates that this missense variant is not expected to disrupt RYR2 protein function with a negative predictive value of 95%. In summary, the available evidence is currently insufficient to determine the role of this variant in disease. Therefore, it has been classified as a Variant of Uncertain Significance.

All of Us Research Program, National Institutes of Health
Classification: Uncertain significance for Catecholaminergic polymorphic ventricular tachycardia. Last evaluated: 2024-02-05. Review status: criteria provided, single submitter. Criteria: ACMG Guidelines, 2015. Collection method: clinical testing. Allele origin: germline. Inheritance: Autosomal dominant inheritance. Observed: 2 variant alleles, 2 heterozygotes.
Comment: This missense variant replaces serine with isoleucine at codon 1398 of the RYR2 protein. Computational prediction suggests that this variant may not impact protein structure and function (internally defined REVEL score threshold <= 0.5, PMID: 27666373). To our knowledge, functional studies have not been reported for this variant. This variant has not been reported in individuals affected with RYR2-related disorders in the literature. This variant has not been identified in the general population by the Genome Aggregation Database (gnomAD). The available evidence is insufficient to determine the role of this variant in disease conclusively. Therefore, this variant is classified as a Variant of Uncertain Significance.

This study involves interpretation of variants in research participants for the purpose of population health screening. Participant phenotype was not available at the time of variant classification. Additional details can be found in publication PMID: 35346344, PMCID: PMC8962531

NM_001035.3(RYR2):c.4193G>T (p.Ser1398Ile)

Gene: RYR2 (ryanodine receptor 2; plus strand). Cytogenetic location: 1q43.
Variant type: single nucleotide variant.
Coding change: c.4193G>T on transcript NM_001035.3 (MANE Select); coding-DNA position 4193, G replaced by T.
Protein change: p.Ser1398Ile; replaces serine 1398 with isoleucine.
Molecular consequence: missense variant.
Genome position (GRCh38, 1-based): chr1:237,591,771, G>T. VCF-style: chr1-237591771-G-T. GRCh37 (hg19) VCF-style: chr1-237755071-G-T.
Other names: short protein forms S1398I.
Identifiers: ClinVar variation 2170565 (VCV002170565.5), dbSNP rs761006189, ClinGen allele CA345398455.
Genomic context (GRCh38, chr1:237,591,771, plus strand): 5'-TTATTGTTAGTCCTCTGAAATATTTCAGATTTTTGCTTAGAAGAACAAAGCCAGATTACA[G>T]CACAAGCCATTCTGCAAGACTCACCGAAGATGTCCTTGCTGATGATCGGGATGACTATGA-3'
Protein context (NP_001026.2, residues 1388-1408): FLLRRTKPDY[Ser1398Ile]TSHSARLTED